The following is an entry in ClinVar:

NM_014351.4(SULT4A1):c.463del (p.Arg155fs)

Gene: SULT4A1 (sulfotransferase family 4A member 1; minus strand). Cytogenetic location: 22q13.31.
Variant type: Deletion.
Coding change: c.463del on transcript NM_014351.4 (MANE Select); coding-DNA position 463, one base deleted (C; older notation c.463delC).
Protein change: p.Arg155fs; shifts the reading frame from arginine 155.
Molecular consequence: frameshift variant.
Genome position (GRCh38, 1-based): chr22:43,838,912, G deleted on the plus strand (C on the coding strand, the reverse complement: SULT4A1 is on the minus strand); the first of 2 consecutive G bases (chr22:43,838,912-43,838,913); deleting either gives the same sequence. VCF-style (leftmost placement, unchanged base first): chr22-43838911-CG-C. GRCh37 (hg19) VCF-style: chr22-44234791-CG-C.
Other names: short protein forms R155fs.
Identifiers: ClinVar variation 4854222 (VCV004854222.1).

ClinVar aggregate classification (germline): Uncertain significance (1 of 4 stars; one submission).

Conditions:
SULT4A1-related disorder.

Submission:

3billion
Classification: Uncertain significance for SULT4A1-related disorder. Last evaluated: 2026-01-05. Review status: criteria provided, single submitter. Criteria: ACMG Guidelines, 2015. Collection method: clinical testing. Allele origin: germline. Affected: yes.
Comment: The variant is not observed in the gnomAD v4.1.0 dataset. Predicted Consequence/Location: Frameshift: predicted to result in a loss or disruption of normal protein function through nonsense-mediated decay (NMD) or protein truncation. Multiple pathogenic variants are reported downstream of the variant. Therefore, this variant is classified as VUS according to the recommendation of ACMG/AMP guideline.